The following is an entry in ClinVar:

NM_001330588.2(TPP2):c.445G>T (p.Ala149Ser)

Gene: TPP2 (tripeptidyl peptidase 2; plus strand). Cytogenetic location: 13q33.1.
Variant type: single nucleotide variant.
Coding change: c.445G>T on transcript NM_001330588.2 (MANE Select); coding-DNA position 445, G replaced by T.
Protein change: p.Ala149Ser; replaces alanine 149 with serine.
Molecular consequence: missense variant. On other transcripts: non-coding transcript variant (1).
Genome position (GRCh38, 1-based): chr13:102,616,450, G>T. VCF-style: chr13-102616450-G-T. GRCh37 (hg19) VCF-style: chr13-103268800-G-T.
Other names: c.445G>T, p.Ala149Ser (NM_001367947.1, NM_003291.4); short protein forms A149S.
Identifiers: ClinVar variation 2124591 (VCV002124591.4), dbSNP rs2503883390, ClinGen allele CA388473598.

ClinVar aggregate classification (germline): Uncertain significance (1 of 4 stars; one submission).

Conditions:
Evans syndrome, immunodeficiency, and premature immunosenescence associated with tripeptidyl-peptidase II deficiency. Identifiers: MedGen CN231723. Disease mechanism: loss of function.

Allele frequency attached by ClinVar (database versions not stated): gnomAD exomes below 0.00001.
gnomAD v4.1: 1 of 1,612,846 alleles (0.000062%); no homozygotes.

Submission:

Labcorp Genetics (formerly Invitae), Labcorp
Classification: Uncertain significance for Evans syndrome, immunodeficiency, and premature immunosenescence associated with tripeptidyl-peptidase II deficiency. Last evaluated: 2022-10-21. Review status: criteria provided, single submitter. Criteria: Invitae Variant Classification Sherloc (09022015). Collection method: clinical testing. Allele origin: germline.
Comment: In summary, the available evidence is currently insufficient to determine the role of this variant in disease. Therefore, it has been classified as a Variant of Uncertain Significance. Algorithms developed to predict the effect of missense changes on protein structure and function are either unavailable or do not agree on the potential impact of this missense change (SIFT: "Deleterious"; PolyPhen-2: "Possibly Damaging"; Align-GVGD: "Class C0"). This variant has not been reported in the literature in individuals affected with TPP2-related conditions. This variant is not present in population databases (gnomAD no frequency). This sequence change replaces alanine, which is neutral and non-polar, with serine, which is neutral and polar, at codon 149 of the TPP2 protein (p.Ala149Ser).